The following is an entry in ClinVar:

ClinVar aggregate classification (germline): Uncertain significance (1 of 4 stars; one submission).

Allele frequency attached by ClinVar (database versions not stated): gnomAD 0.00001; gnomAD exomes 0.00002; TOPMed 0.00002.

Submission:

Labcorp Genetics (formerly Invitae), Labcorp
Classification: Uncertain significance. Last evaluated: 2022-02-11. Review status: criteria provided, single submitter. Criteria: Invitae Variant Classification Sherloc (09022015). Collection method: clinical testing. Allele origin: germline.
Comment: This sequence change replaces glutamic acid, which is acidic and polar, with lysine, which is basic and polar, at codon 224 of the EXOSC2 protein (p.Glu224Lys). This variant is present in population databases (rs756258230, gnomAD 0.009%). This variant has not been reported in the literature in individuals affected with EXOSC2-related conditions. ClinVar contains an entry for this variant (Variation ID: 1056940). Algorithms developed to predict the effect of missense changes on protein structure and function are either unavailable or do not agree on the potential impact of this missense change (SIFT: "Deleterious"; PolyPhen-2: "Benign"; Align-GVGD: "Class C15"). In summary, the available evidence is currently insufficient to determine the role of this variant in disease. Therefore, it has been classified as a Variant of Uncertain Significance.

NM_014285.7(EXOSC2):c.670G>A (p.Glu224Lys)

Gene: EXOSC2 (exosome component 2; plus strand). Cytogenetic location: 9q34.12.
Variant type: single nucleotide variant.
Coding change: c.670G>A on transcript NM_014285.7 (MANE Select); coding-DNA position 670, G replaced by A.
Protein change: p.Glu224Lys; replaces glutamic acid 224 with lysine.
Molecular consequence: missense variant. On other transcripts: non-coding transcript variant (1).
Genome position (GRCh38, 1-based): chr9:130,702,308, G>A. VCF-style: chr9-130702308-G-A. GRCh37 (hg19) VCF-style: chr9-133577695-G-A.
Other names: c.592G>A, p.Glu198Lys (NM_001282708.1); c.580G>A, p.Glu194Lys (NM_001282709.1); short protein forms E194K, E198K, E224K.
Identifiers: ClinVar variation 1056940 (VCV001056940.6), dbSNP rs756258230, ClinGen allele CA5284937.
Genomic context (GRCh38, chr9:130,702,308, plus strand): 5'-TGGATTTACCCAACACCTGAGCACAAAGAAGAGGAAGCAGGGGGCTTCATTGCAAACCTG[G>A]AGGTGAGCAAACACTGTGGCCATTTTCAGTGGGATGGAGGGGGCTCAGTCTTTGCTGTGT-3'
Protein context (NP_055100.2, residues 214-234): EEAGGFIANL[Glu224Lys]PVSLADREVI